The following is an entry in ClinVar:

ClinVar aggregate classification (germline): Likely benign. Review status: criteria provided, multiple submitters, no conflicts (2 of 4 stars). 2 submissions from 2 submitters: Likely benign (2). Last evaluated 2020-07-20.

Conditions:
SYNM-related disorder. Also called: SYNM-related condition.

Allele frequency attached by ClinVar (database versions not stated): gnomAD exomes below 0.00001; gnomAD 0.00002; TOPMed 0.00002; ESP Exome Variant Server 0.00016.

Submissions (2):

PreventionGenetics, part of Exact Sciences
Classification: Likely benign for SYNM-related condition. Last evaluated: 2020-07-20. Review status: criteria provided, single submitter. Criteria: ACMG Guidelines, 2015. Collection method: clinical testing. Allele origin: germline.
Comment: This variant is classified as likely benign based on ACMG/AMP sequence variant interpretation guidelines (Richards et al. 2015 PMID: 25741868, with internal and published modifications).

GeneDx
Classification: Likely benign. Last evaluated: 2016-05-26. Review status: criteria provided, single submitter. Criteria: GeneDx Variant Classification (06012015). Collection method: clinical testing. Allele origin: germline. Affected: yes.
Comment: This variant is considered likely benign or benign based on one or more of the following criteria: it is a conservative change, it occurs at a poorly conserved position in the protein, it is predicted to be benign by multiple in silico algorithms, and/or has population frequency not consistent with disease.

NM_145728.3(SYNM):c.3114C>T (p.Ser1038=)

Gene: SYNM (synemin; plus strand). Cytogenetic location: 15q26.3.
Variant type: single nucleotide variant.
Coding change: c.3114C>T on transcript NM_145728.3 (MANE Select); coding-DNA position 3114, C replaced by T.
Protein change: p.Ser1038=; no amino-acid change (serine 1038 retained).
Molecular consequence: synonymous variant.
Genome position (GRCh38, 1-based): chr15:99,131,474, C>T. VCF-style: chr15-99131474-C-T. GRCh37 (hg19) VCF-style: chr15-99671679-C-T.
Other names: c.3114C>T (LRG_415t1); c.3114C>T, p.Ser1038= (NM_015286.6).
Identifiers: ClinVar variation 386702 (VCV000386702.2), dbSNP rs370914226, ClinGen allele CA16607966.